The following is an entry in ClinVar:

NM_002878.4(RAD51D):c.945del (p.Thr316fs)

Genes: RAD51L3-RFFL (RAD51L3-RFFL readthrough; minus strand), RAD51D (RAD51 paralog D; minus strand). Cytogenetic location: 17q12.
Variant type: Deletion.
Coding change: c.945del on transcript NM_002878.4 (MANE Select); coding-DNA position 945, one base deleted (G; older notation c.945delG).
Protein change: p.Thr316fs; shifts the reading frame from threonine 316.
Molecular consequence: frameshift variant. On other transcripts: non-coding transcript variant (2).
Genome position (GRCh38, 1-based): chr17:35,100,995, C deleted on the plus strand (G on the coding strand, the reverse complement: RAD51D is on the minus strand); the first of 5 consecutive C bases (chr17:35,100,995-35,100,999); deleting any one gives the same sequence. VCF-style (leftmost placement, unchanged base first): chr17-35100994-TC-T. GRCh37 (hg19) VCF-style: chr17-33428013-TC-T.
Other names: c.1005del, p.Thr336fs (NM_001142571.2); c.609del, p.Thr204fs (NM_133629.3); c.945delG (NM_002878.3); short protein forms T204fs, T316fs, T336fs.
Identifiers: ClinVar variation 1051132 (VCV001051132.7), dbSNP rs2142408982, ClinGen allele CA2499224267.

ClinVar aggregate classification (germline): Uncertain significance. Review status: criteria provided, multiple submitters, no conflicts (2 of 4 stars). 2 submissions from 2 submitters: Uncertain significance (2). Last evaluated 2023-12-18.

Conditions:
Hereditary cancer-predisposing syndrome. Also called: Tumor predisposition; Hereditary neoplastic syndrome; Hereditary Cancer Syndrome; Neoplastic Syndromes, Hereditary. Identifiers: Orphanet 140162, MedGen C0027672, MeSH D009386, MONDO:0015356.
Breast-ovarian cancer, familial, susceptibility to, 4. Identifiers: Orphanet 145, MedGen C3280345, MONDO:0013669, OMIM 614291.

Submissions (2):

Labcorp Genetics (formerly Invitae), Labcorp
Classification: Uncertain significance for Breast-ovarian cancer, familial, susceptibility to, 4. Last evaluated: 2023-12-18. Review status: criteria provided, single submitter. Criteria: Invitae Variant Classification Sherloc (09022015). Collection method: clinical testing. Allele origin: germline.
Comment: This sequence change results in a frameshift in the RAD51D gene (p.Thr316Profs*35). While this is not anticipated to result in nonsense mediated decay, it is expected to disrupt the last 13 amino acid(s) of the RAD51D protein and extend the protein by 21 additional amino acid residues. This variant is not present in population databases (gnomAD no frequency). This variant has not been reported in the literature in individuals affected with RAD51D-related conditions. ClinVar contains an entry for this variant (Variation ID: 1051132). Experimental studies and prediction algorithms are not available or were not evaluated, and the functional significance of this variant is currently unknown. In summary, the available evidence is currently insufficient to determine the role of this variant in disease. Therefore, it has been classified as a Variant of Uncertain Significance.

Ambry Genetics
Classification: Uncertain significance for Hereditary cancer-predisposing syndrome. Last evaluated: 2023-09-14. Review status: criteria provided, single submitter. Criteria: Ambry Variant Classification Scheme 2023. Collection method: clinical testing. Allele origin: germline.
Comment: The c.945delG variant, located in coding exon 10 of the RAD51D gene, results from a deletion of one nucleotide at nucleotide position 945, causing a translational frameshift with a predicted alternate stop codon (p.T316Pfs*35). This alteration occurs at the 3' terminus of theRAD51D gene, is not expected to trigger nonsense-mediated mRNAdecay, and only impacts the last 13 amino acids (4%) of the protein. The exact functional effect of this alteration is unknown. Since supporting evidence is limited at this time, the clinical significance of this alteration remains unclear.